The following is an entry in ClinVar:

ClinVar aggregate classification (germline): Uncertain significance (1 of 4 stars; one submission).

Conditions:
Cohen syndrome (COH1). Also called: Cutis verticis gyrata, retinitis pigmentosa, and sensorineural deafness; PEPPER SYNDROME. Identifiers: Orphanet 193, MedGen C0265223, MONDO:0008999, OMIM 216550.

Submission:

Labcorp Genetics (formerly Invitae), Labcorp
Classification: Uncertain significance for Cohen syndrome. Last evaluated: 2022-05-20. Review status: criteria provided, single submitter. Criteria: Invitae Variant Classification Sherloc (09022015). Collection method: clinical testing. Allele origin: germline.
Comment: This sequence change replaces valine, which is neutral and non-polar, with leucine, which is neutral and non-polar, at codon 2568 of the VPS13B protein (p.Val2568Leu). This variant is not present in population databases (gnomAD no frequency). This variant has not been reported in the literature in individuals affected with VPS13B-related conditions. Algorithms developed to predict the effect of missense changes on protein structure and function are either unavailable or do not agree on the potential impact of this missense change (SIFT: "Not Available"; PolyPhen-2: "Benign"; Align-GVGD: "Not Available"). In summary, the available evidence is currently insufficient to determine the role of this variant in disease. Therefore, it has been classified as a Variant of Uncertain Significance.

NM_152564.5(VPS13B):c.7627G>T (p.Val2543Leu)

Gene: VPS13B (vacuolar protein sorting 13 homolog B; plus strand). Cytogenetic location: 8q22.2.
Variant type: single nucleotide variant.
Coding change: c.7627G>T on transcript NM_152564.5 (MANE Select); coding-DNA position 7627, G replaced by T.
Protein change: p.Val2543Leu; replaces valine 2543 with leucine.
Molecular consequence: missense variant.
Genome position (GRCh38, 1-based): chr8:99,778,879, G>T. VCF-style: chr8-99778879-G-T. GRCh37 (hg19) VCF-style: chr8-100791107-G-T.
Other names: c.7702G>T, p.Val2568Leu (NM_017890.5); short protein forms V2543L, V2568L.
Identifiers: ClinVar variation 2090241 (VCV002090241.1), dbSNP rs1811871000, ClinGen allele CA371876377.
Genomic context (GRCh38, chr8:99,778,879, plus strand): 5'-TTCTTAGCTCAAGCAGACTGTAAACTTCTAGAGTGCAGAAATGTCACTATGCAAAGTGTG[G>T]TGAAACCCTTCAGCATCTTCGGGCAGATGGCAGTTTCCAGCGATGTAGTGGAAAAGCTGC-3'
Protein context (NP_689777.3, residues 2533-2553): ECRNVTMQSV[Val2543Leu]KPFSIFGQMA